The following is an entry in ClinVar:

ClinVar aggregate classification (germline): Pathogenic (1 of 4 stars; one submission).

Conditions:
Familial cancer of breast. Also called: Hereditary breast cancer; hereditary breast carcinoma; BREAST CANCER, FAMILIAL. Identifiers: Orphanet 227535, MedGen C0346153, MONDO:0016419, OMIM 114480. Disease mechanism: loss of function.

Submission:

Labcorp Genetics (formerly Invitae), Labcorp
Classification: Pathogenic for Familial cancer of breast. Last evaluated: 2020-04-07. Review status: criteria provided, single submitter. Criteria: Invitae Variant Classification Sherloc (09022015). Collection method: clinical testing. Allele origin: germline.
Comment: This variant is an out-of-frame deletion of the genomic region encompassing exon 4 of the BARD1 gene. This is expected to create a premature translational stop signal and result in an absent or disrupted protein product. Similar deletions of exon 4 have not been reported in the literature in individuals with BARD1-related disease. Loss-of-function variants in BARD1 are known to be pathogenic (PMID: 20077502, 21344236). For these reasons, this variant has been classified as Pathogenic.

Literature cited by the submitters: PubMed 20077502; PubMed 21344236.

NC_000002.11:g.(?_215645274)_(215646243_?)del

Gene: BARD1 (BRCA1 associated RING domain 1; minus strand). Cytogenetic location: 2q35.
Variant type: Deletion.
Identifiers: ClinVar variation 1073955 (VCV001073955.2).